The following is an entry in ClinVar:

ClinVar aggregate classification (germline): Uncertain significance (1 of 4 stars; one submission).

Submission:

GeneDx
Classification: Uncertain significance. Last evaluated: 2025-04-24. Review status: criteria provided, single submitter. Criteria: GeneDx Variant Classification Process June 2021. Collection method: clinical testing. Allele origin: germline. Affected: yes.
Comment: Not observed at significant frequency in large population cohorts (gnomAD); In silico analysis supports that this missense variant has a deleterious effect on protein structure/function; Has not been previously published as pathogenic or benign to our knowledge

NM_001849.4(COL6A2):c.1475C>G (p.Pro492Arg)

Gene: COL6A2 (collagen type VI alpha 2 chain; plus strand). Cytogenetic location: 21q22.3.
Variant type: single nucleotide variant.
Coding change: c.1475C>G on transcript NM_001849.4 (MANE Select); coding-DNA position 1475, C replaced by G.
Protein change: p.Pro492Arg; replaces proline 492 with arginine.
Molecular consequence: missense variant.
Genome position (GRCh38, 1-based): chr21:46,121,572, C>G. VCF-style: chr21-46121572-C-G. GRCh37 (hg19) VCF-style: chr21-47541486-C-G.
Other names: c.1475C>G, p.Pro492Arg (NM_058174.3, NM_058175.3); short protein forms P492R.
Identifiers: ClinVar variation 4527677 (VCV004527677.1).